The following is an entry in ClinVar:

NM_001365276.2(TNXB):c.8300C>T (p.Thr2767Ile)

Gene: TNXB (tenascin XB; minus strand). Cytogenetic location: 6p21.33.
Variant type: single nucleotide variant.
Coding change: c.8300C>T on transcript NM_001365276.2 (MANE Select); coding-DNA position 8300, C replaced by T.
Protein change: p.Thr2767Ile; replaces threonine 2767 with isoleucine.
Molecular consequence: missense variant.
Genome position (GRCh38, 1-based): chr6:32,056,018, G>A on the plus strand (C>T on the coding strand, the complement: TNXB is on the minus strand). VCF-style: chr6-32056018-G-A. GRCh37 (hg19) VCF-style: chr6-32023795-G-A.
Other names: p.Thr2767Ile; c.8300C>T, p.Thr2767Ile (NM_019105.8); short protein forms T2767I.
Identifiers: ClinVar variation 76322 (VCV000076322.53), dbSNP rs201649053, ClinGen allele CA3733895.

ClinVar aggregate classification (germline): Conflicting classifications of pathogenicity. Review status: criteria provided, conflicting classifications (1 of 4 stars). 6 submissions from 6 submitters: Uncertain significance (5); Likely benign (1). Last evaluated 2026-10-15.

Conditions:
Cardiovascular phenotype. Identifiers: MedGen CN230736.
Ehlers-Danlos syndrome due to tenascin-X deficiency (EDSCLL1). Also called: EDS DUE TO TNX DEFICIENCY; TNX DEFICIENCY; EHLERS-DANLOS SYNDROME, CLASSIC-LIKE; Ehlers-Danlos syndrome, classic-like, 1; TNXB-Related Classical-Like Ehlers-Danlos Syndrome. Identifiers: Orphanet 230839, MedGen C1848029, MONDO:0011670, OMIM 606408.

Allele frequency attached by ClinVar (database versions not stated): gnomAD exomes 0.00012 and 0.00016; ExAC 0.00017; gnomAD 0.00031 and 0.00035; TOPMed 0.00036.
gnomAD v4.1: 232 of 1,613,170 alleles (0.014%); highest among the groups gnomAD compares: Middle Eastern, 0.13%; 1 homozygote.

Submissions (6):

GeneDx
Classification: Uncertain significance. Last evaluated: 2026-10-15. Review status: criteria provided, single submitter. Criteria: GeneDx Variant Classification Process June 2021. Collection method: clinical testing. Allele origin: germline.
Comment: Reported in a proband with classic Ehlers-Danlos syndrome who also harbors an additional variant in the TNXB gene in trans (PMID: 41913751); In silico analysis supports that this missense variant has a deleterious effect on protein structure/function; This variant is associated with the following publications: (PMID: 41913751)

Mayo Clinic Laboratories, Mayo Clinic
Classification: Uncertain significance. Last evaluated: 2025-08-25. Review status: criteria provided, single submitter. Criteria: ACMG Guidelines, 2015. Collection method: clinical testing. Allele origin: germline. Observed: 3 variant alleles.
Comment: BP4

Ambry Genetics
Classification: Likely benign for Cardiovascular phenotype. Last evaluated: 2025-07-08. Review status: criteria provided, single submitter. Criteria: Ambry Variant Classification Scheme 2023. Collection method: clinical testing. Allele origin: germline.

Centre of Medical Genetics, University Hospital Muenster
Classification: Uncertain significance for Ehlers-Danlos syndrome due to tenascin-X deficiency. Last evaluated: 2022-01-18. Review status: criteria provided, single submitter. Criteria: ACMG Guidelines, 2015. Collection method: clinical testing. Allele origin: unknown. Affected: yes. Observed: 1 variant allele, 1 heterozygote.
Comment: ACMG categories: PM2

CeGaT Center for Human Genetics Tuebingen
Classification: Uncertain significance. Last evaluated: 2021-01-01. Review status: criteria provided, single submitter. Criteria: CeGaT Center For Human Genetics Tuebingen Variant Classification Criteria Version 2. Collection method: clinical testing. Allele origin: germline. Affected: yes. Observed: 1 variant allele.

Breakthrough Genomics
Classification: Uncertain significance. Review status: criteria provided, single submitter. Criteria: ACMG Guidelines, 2015. Collection method: not provided. Allele origin: germline. Inheritance: Autosomal recessive inheritance. Affected: yes.